The following is an entry in ClinVar:

ClinVar aggregate classification (germline): Uncertain significance. Review status: criteria provided, multiple submitters, no conflicts (2 of 4 stars). 4 submissions from 4 submitters: Uncertain significance (4). Last evaluated 2025-10-01.

Conditions:
Hypokalemic periodic paralysis, type 1. Also called: Hypokalemic Periodic Paralysis Type 1 (AD); HypoPP. Identifiers: Orphanet 681, MedGen C3714580, MONDO:0042979, OMIM 170400.
Malignant hyperthermia, susceptibility to, 5 (MHS5). Also called: CACNA1S-Related Malignant Hyperthermia Susceptibility. Identifiers: Orphanet 423, MedGen C1866077, MONDO:0011163, OMIM 601887.
Inborn genetic diseases. Identifiers: MedGen C0950123, MeSH D030342.

Allele frequency attached by ClinVar (database versions not stated): TOPMed below 0.00001; ExAC 0.00001.
gnomAD v4.1: 28 of 1,613,994 alleles (0.0017%); highest among the groups gnomAD compares: Non-Finnish European, 0.0021%; no homozygotes.

Submissions (4):

CeGaT Center for Human Genetics Tuebingen
Classification: Uncertain significance. Last evaluated: 2025-10-01. Review status: criteria provided, single submitter. Criteria: CeGaT Center For Human Genetics Tuebingen Variant Classification Criteria Version 2. Collection method: clinical testing. Allele origin: germline. Affected: yes. Observed: 2 variant alleles.

Labcorp Genetics (formerly Invitae), Labcorp
Classification: Uncertain significance for Hypokalemic periodic paralysis, type 1; Malignant hyperthermia, susceptibility to, 5. Last evaluated: 2025-08-15. Review status: criteria provided, single submitter. Criteria: Invitae Variant Classification Sherloc (09022015). Collection method: clinical testing. Allele origin: germline.
Comment: This sequence change replaces glutamine, which is neutral and polar, with arginine, which is basic and polar, at codon 1508 of the CACNA1S protein (p.Gln1508Arg). This variant is present in population databases (rs764404618, gnomAD 0.002%). This variant has not been reported in the literature in individuals affected with CACNA1S-related conditions. ClinVar contains an entry for this variant (Variation ID: 1711235). Invitae Evidence Modeling of protein sequence and biophysical properties (such as structural, functional, and spatial information, amino acid conservation, physicochemical variation, residue mobility, and thermodynamic stability) has been performed for this missense variant. However, the output from this modeling did not meet the statistical confidence thresholds required to predict the impact of this variant on CACNA1S protein function. In summary, the available evidence is currently insufficient to determine the role of this variant in disease. Therefore, it has been classified as a Variant of Uncertain Significance.

Ambry Genetics
Classification: Uncertain significance for Inborn genetic diseases. Last evaluated: 2024-05-12. Review status: criteria provided, single submitter. Criteria: Ambry Variant Classification Scheme 2023. Collection method: clinical testing. Allele origin: germline.

All of Us Research Program, National Institutes of Health
Classification: Uncertain significance for Malignant hyperthermia, susceptibility to, 5. Last evaluated: 2023-05-30. Review status: criteria provided, single submitter. Criteria: ACMG Guidelines, 2015. Collection method: clinical testing. Allele origin: germline. Inheritance: Autosomal dominant inheritance. Observed: 2 variant alleles, 2 heterozygotes.
Comment: This missense variant replaces glutamine with arginine at codon 1508 of the CACNA1S protein. Computational prediction suggests that this variant may not impact protein structure and function (internally defined REVEL score threshold <= 0.5, PMID: 27666373). To our knowledge, functional studies have not been reported for this variant. This variant has not been reported in individuals affected with CACNA1S-related disorders in the literature. This variant has been identified in 2/251416 chromosomes in the general population by the Genome Aggregation Database (gnomAD). The available evidence is insufficient to determine the role of this variant in disease conclusively. Therefore, this variant is classified as a Variant of Uncertain Significance.

This study involves interpretation of variants in research participants for the purpose of population health screening. Participant phenotype was not available at the time of variant classification. Additional details can be found in publication PMID: 35346344, PMCID: PMC8962531

NM_000069.3(CACNA1S):c.4523A>G (p.Gln1508Arg)

Gene: CACNA1S (calcium voltage-gated channel subunit alpha1 S; minus strand). Cytogenetic location: 1q32.1.
Variant type: single nucleotide variant.
Coding change: c.4523A>G on transcript NM_000069.3 (MANE Select); coding-DNA position 4523, A replaced by G.
Protein change: p.Gln1508Arg; replaces glutamine 1508 with arginine.
Molecular consequence: missense variant.
Genome position (GRCh38, 1-based): chr1:201,047,545, T>C on the plus strand (A>G on the coding strand, the complement: CACNA1S is on the minus strand). VCF-style: chr1-201047545-T-C. GRCh37 (hg19) VCF-style: chr1-201016673-T-C.
Other names: c.4523A>G (NM_000069.2); short protein forms Q1508R.
Identifiers: ClinVar variation 1711235 (VCV001711235.34), dbSNP rs764404618, ClinGen allele CA083405.